The following is an entry in ClinVar:

ClinVar aggregate classification (germline): Uncertain significance. Review status: criteria provided, multiple submitters, no conflicts (2 of 4 stars). 3 submissions from 3 submitters: Uncertain significance (3). Last evaluated 2026-01-24.

Conditions:
Intellectual developmental disorder, autosomal dominant 43. Also called: Intellectual disability, autosomal dominant 43. Identifiers: MedGen C4707429, MONDO:0014858, OMIM 616977.

Allele frequency attached by ClinVar (database versions not stated): gnomAD 0.00001; TOPMed 0.00004; gnomAD exomes below 0.00001.
gnomAD v4.1: 2 of 1,614,088 alleles (0.00012%); highest among the groups gnomAD compares: African/African-American, 0.0013%; no homozygotes.

Submissions (3):

Labcorp Genetics (formerly Invitae), Labcorp
Classification: Uncertain significance. Last evaluated: 2026-01-24. Review status: criteria provided, single submitter. Criteria: Invitae Variant Classification Sherloc (09022015). Collection method: clinical testing. Allele origin: germline.
Comment: This sequence change replaces threonine, which is neutral and polar, with isoleucine, which is neutral and non-polar, at codon 988 of the HIVEP2 protein (p.Thr988Ile). This variant is not present in population databases (gnomAD no frequency). This variant has not been reported in the literature in individuals affected with HIVEP2-related conditions. ClinVar contains an entry for this variant (Variation ID: 1310346). Invitae Evidence Modeling of protein sequence and biophysical properties (such as structural, functional, and spatial information, amino acid conservation, physicochemical variation, residue mobility, and thermodynamic stability) indicates that this missense variant is not expected to disrupt HIVEP2 protein function with a negative predictive value of 80%. In summary, the available evidence is currently insufficient to determine the role of this variant in disease. Therefore, it has been classified as a Variant of Uncertain Significance.

New York Genome Center
Classification: Uncertain significance for Intellectual developmental disorder, autosomal dominant 43. Last evaluated: 2021-08-27. Review status: criteria provided, single submitter. Criteria: NYGC Assertion Criteria 2020. Collection method: clinical testing. Allele origin: germline. Observed: 1 heterozygote. Study: CSER-NYCKidSeq.

GeneDx
Classification: Uncertain significance. Last evaluated: 2019-11-14. Review status: criteria provided, single submitter. Criteria: GeneDx Variant Classification Process June 2021. Collection method: clinical testing. Allele origin: germline. Affected: yes.
Comment: Not observed in large population cohorts (Lek et al., 2016); In silico analysis, which includes protein predictors and evolutionary conservation, supports that this variant does not alter protein structure/function; Has not been previously published as pathogenic or benign to our knowledge

NM_006734.4(HIVEP2):c.2963C>T (p.Thr988Ile)

Gene: HIVEP2 (HIVEP zinc finger 2; minus strand). Cytogenetic location: 6q24.2.
Variant type: single nucleotide variant.
Coding change: c.2963C>T on transcript NM_006734.4 (MANE Select); coding-DNA position 2963, C replaced by T.
Protein change: p.Thr988Ile; replaces threonine 988 with isoleucine.
Molecular consequence: missense variant.
Genome position (GRCh38, 1-based): chr6:142,771,776, G>A on the plus strand (C>T on the coding strand, the complement: HIVEP2 is on the minus strand). VCF-style: chr6-142771776-G-A. GRCh37 (hg19) VCF-style: chr6-143092913-G-A.
Other names: short protein forms T988I.
Identifiers: ClinVar variation 1310346 (VCV001310346.6), dbSNP rs1456774761, ClinGen allele CA365907694.